The following is an entry in ClinVar:

ClinVar aggregate classification (germline): Pathogenic/Likely pathogenic. Review status: criteria provided, multiple submitters, no conflicts (2 of 4 stars). 5 submissions from 5 submitters: Pathogenic (1); Likely pathogenic (3). 1 of the submissions does not count toward it. Last evaluated 2026-08-03.

Conditions:
Galloway-Mowat syndrome 6. Identifiers: MedGen C5193043, MONDO:0032691, OMIM 618347.

Allele frequency attached by ClinVar (database versions not stated): gnomAD exomes 0.00001; TOPMed below 0.00001.
gnomAD v4.1: 11 of 1,611,966 alleles (0.00068%); highest among the groups gnomAD compares: Admixed American, 0.0084%; no homozygotes.

Submissions (5):

GeneDx
Classification: Pathogenic. Last evaluated: 2026-08-03. Review status: criteria provided, single submitter. Criteria: GeneDx Variant Classification Process June 2021. Collection method: clinical testing. Allele origin: germline.
Comment: Published functional studies found this variant is associated with significantly reduced methyltransferase complex activity (PMID: 36599985); In silico analysis supports that this missense variant has a deleterious effect on protein structure/function; This variant is associated with the following publications: (PMID: 40247703, 37369656, 37055150, 26416026, 28617965, 36599985)

Labcorp Genetics (formerly Invitae), Labcorp
Classification: Likely pathogenic. Last evaluated: 2025-11-18. Review status: criteria provided, single submitter. Criteria: Invitae Variant Classification Sherloc (09022015). Collection method: clinical testing. Allele origin: germline.
Comment: This sequence change replaces arginine, which is basic and polar, with glutamine, which is neutral and polar, at codon 170 of the WDR4 protein (p.Arg170Gln). This variant is present in population databases (no rsID available, gnomAD 0.009%). This missense change has been observed in individual(s) with WDR4-related conditions (PMID: 28617965). In at least one individual the data is consistent with being in trans (on the opposite chromosome) from a pathogenic variant. It has also been observed to segregate with disease in related individuals. ClinVar contains an entry for this variant (Variation ID: 619601). Invitae Evidence Modeling of protein sequence and biophysical properties (such as structural, functional, and spatial information, amino acid conservation, physicochemical variation, residue mobility, and thermodynamic stability) indicates that this missense variant is expected to disrupt WDR4 protein function with a positive predictive value of 80%. Experimental studies have shown that this missense change affects WDR4 function (PMID: 37369656). In summary, the currently available evidence indicates that the variant is pathogenic, but additional data are needed to prove that conclusively. Therefore, this variant has been classified as Likely Pathogenic.

Genomic Medicine Center of Excellence, King Faisal Specialist Hospital and Research Centre
Classification: Likely pathogenic for Galloway-Mowat syndrome 6. Last evaluated: 2024-03-25. Review status: criteria provided, single submitter. Criteria: ACMG Guidelines, 2015. Collection method: clinical testing. Allele origin: germline.

Laboratoire de Génétique Moléculaire, CHU Bordeaux
Classification: Likely pathogenic. Review status: criteria provided, single submitter. Criteria: ACMG Guidelines, 2015. Collection method: clinical testing. Allele origin: germline. Affected: yes.

OMIM
Classification: Pathogenic for GALLOWAY-MOWAT SYNDROME 6. Last evaluated: 2019-03-08. Review status: no assertion criteria provided. Collection method: literature only. Allele origin: germline. Not counted in ClinVar's aggregate classification.

Literature cited by the submitters: PubMed 28617965 (cited by Labcorp Genetics (formerly Invitae), Labcorp and OMIM); PubMed 37369656 (cited by Labcorp Genetics (formerly Invitae), Labcorp); PubMed 26416026 (cited by OMIM).

NM_018669.6(WDR4):c.509G>A (p.Arg170Gln)

Gene: WDR4 (WDR4 tRNA N7-guanosine methyltransferase non-catalytic subunit; minus strand). Cytogenetic location: 21q22.3.
Variant type: single nucleotide variant.
Coding change: c.509G>A on transcript NM_018669.6 (MANE Select); coding-DNA position 509, G replaced by A.
Protein change: p.Arg170Gln; replaces arginine 170 with glutamine.
Molecular consequence: missense variant. On other transcripts: non-coding transcript variant (1).
Genome position (GRCh38, 1-based): chr21:42,862,339, C>T on the plus strand (G>A on the coding strand, the complement: WDR4 is on the minus strand). VCF-style: chr21-42862339-C-T. GRCh37 (hg19) VCF-style: chr21-44282449-C-T.
Other names: c.509G>A, p.Arg170Gln (NM_001260474.2, NM_033661.5); c.71G>A, p.Arg24Gln (NM_001260475.2, NM_001260476.2, NM_001260477.2); short protein forms R170Q, R24Q.
Identifiers: ClinVar variation 619601 (VCV000619601.8), dbSNP rs1292041526, ClinGen allele CA410392508.